The following is an entry in ClinVar:

NM_018136.5(ASPM):c.7620A>G (p.Ala2540=)

Gene: ASPM (assembly factor for spindle microtubules; minus strand). Cytogenetic location: 1q31.3.
Variant type: single nucleotide variant.
Coding change: c.7620A>G on transcript NM_018136.5 (MANE Select); coding-DNA position 7620, A replaced by G.
Protein change: p.Ala2540=; no amino-acid change (alanine 2540 retained).
Molecular consequence: synonymous variant. On other transcripts: intron variant (1).
Genome position (GRCh38, 1-based): chr1:197,101,631, T>C on the plus strand (A>G on the coding strand, the complement: ASPM is on the minus strand). VCF-style: chr1-197101631-T-C. GRCh37 (hg19) VCF-style: chr1-197070761-T-C.
Other names: c.4066-5467A>G (NM_001206846.2).
Identifiers: ClinVar variation 166700 (VCV000166700.53), dbSNP rs147160053, ClinGen allele CA208374.
Genomic context (GRCh38, chr1:197,101,631, plus strand): 5'-TATTACGATAGAAGCTTTGTGTTTTTCCCTTAAAAGTTGTCTTGCTTTCATTCCTTTATA[T>C]GCAGCCTGAATAACCACAGCAGAATGCCATTGTCTGATATAATTTTCTCTTTGTAATTTT-3'
Protein context (NP_060606.3, residues 2530-2550): QWHSAVVIQA[Ala2540=]YKGMKARQLL

ClinVar aggregate classification (germline): Conflicting classifications of pathogenicity. Review status: criteria provided, conflicting classifications (1 of 4 stars). 7 submissions from 7 submitters: Uncertain significance (3); Likely benign (4). Last evaluated 2026-09-01.

Conditions:
Microcephaly 5, primary, autosomal recessive (MCPH5). Also called: ASPM Primary Microcephaly. Identifiers: Orphanet 2512, MedGen C1837501, MONDO:0012106, OMIM 608716.

Allele frequency attached by ClinVar (database versions not stated): 1000 Genomes Project 30x 0.00047; 1000 Genomes Project 0.00060; ExAC 0.00086; gnomAD exomes 0.00097 and 0.00161; TOPMed 0.00116; gnomAD 0.00118 and 0.00120; ESP Exome Variant Server 0.00154.
gnomAD v4.1: 2,510 of 1,611,792 alleles (0.16%); highest among the groups gnomAD compares: Non-Finnish European, 0.19%; 4 homozygotes.

Submissions (7):

CeGaT Center for Human Genetics Tuebingen
Classification: Likely benign. Last evaluated: 2026-09-01. Review status: criteria provided, single submitter. Criteria: CeGaT Center For Human Genetics Tuebingen Variant Classification Criteria Version 2. Collection method: clinical testing. Allele origin: germline. Affected: yes. Observed: 8 variant alleles.
Comment: ASPM: BP4, BP7

Labcorp Genetics (formerly Invitae), Labcorp
Classification: Likely benign. Last evaluated: 2026-01-19. Review status: criteria provided, single submitter. Criteria: Invitae Variant Classification Sherloc (09022015). Collection method: clinical testing. Allele origin: germline.

Blueprint Genetics
Classification: Likely benign. Last evaluated: 2024-11-11. Review status: criteria provided, single submitter. Criteria: ACMG Guidelines, 2015. Collection method: clinical testing. Allele origin: germline.

GeneDx
Classification: Likely benign. Last evaluated: 2021-05-05. Review status: criteria provided, single submitter. Criteria: GeneDx Variant Classification Process June 2021. Collection method: clinical testing. Allele origin: germline. Affected: yes.

Illumina Laboratory Services, Illumina
Classification: Uncertain significance for Microcephaly 5, primary, autosomal recessive. Last evaluated: 2018-01-12. Review status: criteria provided, single submitter. Criteria: ICSL Variant Classification Criteria 13 December 2019. Collection method: clinical testing. Allele origin: germline.

Eurofins Ntd Llc (ga)
Classification: Uncertain significance. Last evaluated: 2017-06-07. Review status: criteria provided, single submitter. Criteria: EGL Classification Definitions 2015. Collection method: clinical testing. Allele origin: germline. Observed: 4 variant alleles, 4 heterozygotes.

Genetic Services Laboratory, University of Chicago
Classification: Uncertain significance. Last evaluated: 2014-10-16. Review status: criteria provided, single submitter. Criteria: ACMG Guidelines, 2015. Collection method: clinical testing. Allele origin: germline.